The following is an entry in ClinVar:

NM_001145346.2(RBMXL3):c.2148T>G (p.Leu716=)

Genes: LRCH2 (leucine rich repeats and calponin homology domain containing 2; minus strand), RBMXL3 (RBMX like 3; plus strand). Cytogenetic location: Xq23.
Variant type: single nucleotide variant.
Coding change: c.2148T>G on transcript NM_001145346.2 (MANE Select); coding-DNA position 2148, T replaced by G.
Protein change: p.Leu716=; no amino-acid change (leucine 716 retained).
Molecular consequence: synonymous variant. On other transcripts: intron variant (2).
Genome position (GRCh38, 1-based): chrX:115,191,589, T>G. VCF-style: chrX-115191589-T-G. GRCh37 (hg19) VCF-style: chrX-114426152-T-G.
Other names: c.350-3219A>C (NM_001243963.2, NM_020871.4).
Identifiers: ClinVar variation 2661243 (VCV002661243.24), dbSNP rs782184487, ClinGen allele CA518442699.

ClinVar aggregate classification (germline): Likely benign (1 of 4 stars; one submission).

Submission:

CeGaT Center for Human Genetics Tuebingen
Classification: Likely benign. Last evaluated: 2026-03-01. Review status: criteria provided, single submitter. Criteria: CeGaT Center For Human Genetics Tuebingen Variant Classification Criteria Version 2. Collection method: clinical testing. Allele origin: germline. Affected: yes. Observed: 2 variant alleles.
Comment: RBMXL3: PM2:Supporting, BP4, BP7